The following is an entry in ClinVar:

NM_006516.4(SLC2A1):c.517-18G>A

Gene: SLC2A1 (solute carrier family 2 member 1; minus strand). Cytogenetic location: 1p34.2.
Variant type: single nucleotide variant.
Coding change: c.517-18G>A on transcript NM_006516.4 (MANE Select); 18 bases into the intron before coding-DNA position 517, G replaced by A.
Molecular consequence: intron variant.
Genome position (GRCh38, 1-based): chr1:42,930,053, C>T on the plus strand (G>A on the coding strand, the complement: SLC2A1 is on the minus strand). VCF-style: chr1-42930053-C-T. GRCh37 (hg19) VCF-style: chr1-43395724-C-T.
Identifiers: ClinVar variation 378606 (VCV000378606.9), dbSNP rs372553463, ClinGen allele CA803502.

ClinVar aggregate classification (germline): Benign/Likely benign. Review status: criteria provided, multiple submitters, no conflicts (2 of 4 stars). 7 submissions from 3 submitters: Benign (6); Likely benign (1). Last evaluated 2025-10-28.

Conditions:
Hereditary cryohydrocytosis with reduced stomatin. Also called: GLUT1 DEFICIENCY SYNDROME WITH PSEUDOHYPERKALEMIA AND HEMOLYSIS; Stomatin-deficient cryohydrocytosis with neurologic defects. Identifiers: Orphanet 168577, MedGen C1837206, MONDO:0012143, OMIM 608885.
Dystonia 9 (DYT9). Also called: CHOREOATHETOSIS, KINESIGENIC, WITH EPISODIC ATAXIA AND SPASTICITY. Identifiers: Orphanet 53583, MedGen C1832855, MONDO:0010983, OMIM 601042.
Epilepsy, idiopathic generalized, susceptibility to, 12 (EIG12). Identifiers: MedGen C3553859, MONDO:0013919, OMIM 614847.
Encephalopathy due to GLUT1 deficiency. Also called: Classic Glucose Transporter Type 1 Deficiency Syndrome; GLUT1 deficiency syndrome 1, infantile onset, severe; GLUCOSE TRANSPORT DEFECT, BLOOD-BRAIN BARRIER; GLUT1 deficiency syndrome 1; De Vivo disease; Glucose transporter protein syndrome. Identifiers: Orphanet 71277, MedGen C4551966, MONDO:0011724, OMIM 606777.
GLUT1 deficiency syndrome 1, autosomal recessive. Identifiers: MedGen C3149117.
Childhood onset GLUT1 deficiency syndrome 2. Also called: GLUT1 deficiency syndrome 2; Exertion-induced paroxysmal dyskinesia; PxMD-SLC2A1; Paroxysmal exercise-induced dystonia; PAROXYSMAL EXERCISE-INDUCED DYSKINESIA WITH OR WITHOUT EPILEPSY AND/OR HEMOLYTIC ANEMIA; PAROXYSMAL EXERTION-INDUCED DYSTONIA WITH OR WITHOUT EPILEPSY AND/OR HEMOLYTIC ANEMIA. Identifiers: Orphanet 98811, MedGen C1842534, MONDO:0012805, OMIM 612126.

Allele frequency attached by ClinVar (database versions not stated): gnomAD exomes 0.00005; ESP Exome Variant Server 0.00008; ExAC 0.00010; gnomAD 0.00012 and 0.00013; TOPMed 0.00014.
gnomAD v4.1: 287 of 1,613,244 alleles (0.018%); highest among the groups gnomAD compares: Non-Finnish European, 0.023%; 2 homozygotes.

Submissions (7):

Labcorp Genetics (formerly Invitae), Labcorp
Classification: Likely benign for GLUT1 deficiency syndrome 1, autosomal recessive. Last evaluated: 2025-10-28. Review status: criteria provided, single submitter. Criteria: Invitae Variant Classification Sherloc (09022015). Collection method: clinical testing. Allele origin: germline.

Genome-Nilou Lab
Classification: Benign for Epilepsy, idiopathic generalized, susceptibility to, 12. Last evaluated: 2023-04-11. Review status: criteria provided, single submitter. Criteria: ACMG Guidelines, 2015. Collection method: clinical testing. Allele origin: germline. Affected: no.

Genome-Nilou Lab
Classification: Benign for Dystonia 9. Last evaluated: 2023-04-11. Review status: criteria provided, single submitter. Criteria: ACMG Guidelines, 2015. Collection method: clinical testing. Allele origin: germline. Affected: no.

Genome-Nilou Lab
Classification: Benign for Encephalopathy due to GLUT1 deficiency. Last evaluated: 2023-04-11. Review status: criteria provided, single submitter. Criteria: ACMG Guidelines, 2015. Collection method: clinical testing. Allele origin: germline. Affected: no.

Genome-Nilou Lab
Classification: Benign for Childhood onset GLUT1 deficiency syndrome 2. Last evaluated: 2023-04-11. Review status: criteria provided, single submitter. Criteria: ACMG Guidelines, 2015. Collection method: clinical testing. Allele origin: germline. Affected: no.

Genome-Nilou Lab
Classification: Benign for Hereditary cryohydrocytosis with reduced stomatin. Last evaluated: 2023-04-11. Review status: criteria provided, single submitter. Criteria: ACMG Guidelines, 2015. Collection method: clinical testing. Allele origin: germline. Affected: no.

GeneDx
Classification: Benign. Last evaluated: 2015-05-07. Review status: criteria provided, single submitter. Criteria: GeneDx Variant Classification (06012015). Collection method: clinical testing. Allele origin: germline. Affected: yes.
Comment: This variant is considered likely benign or benign based on one or more of the following criteria: it is a conservative change, it occurs at a poorly conserved position in the protein, it is predicted to be benign by multiple in silico algorithms, and/or has population frequency not consistent with disease.